The following is an entry in ClinVar:

ClinVar aggregate classification (germline): Uncertain significance. Review status: criteria provided, multiple submitters, no conflicts (2 of 4 stars). 2 submissions from 2 submitters: Uncertain significance (2). Last evaluated 2025-11-04.

gnomAD v4.1: 65 of 1,613,886 alleles (0.004%); highest among the groups gnomAD compares: African/African-American, 0.0053%; no homozygotes.

Submissions (2):

Labcorp Genetics (formerly Invitae), Labcorp
Classification: Uncertain significance. Last evaluated: 2025-11-04. Review status: criteria provided, single submitter. Criteria: Invitae Variant Classification Sherloc (09022015). Collection method: clinical testing. Allele origin: germline.
Comment: This sequence change replaces aspartic acid, which is acidic and polar, with asparagine, which is neutral and polar, at codon 894 of the MCM2 protein (p.Asp894Asn). This variant is present in population databases (no rsID available, gnomAD 0.004%). This variant has not been reported in the literature in individuals affected with MCM2-related conditions. An algorithm developed to predict the effect of missense changes on protein structure and function (PolyPhen-2) suggests that this variant is likely to be tolerated. In summary, the available evidence is currently insufficient to determine the role of this variant in disease. Therefore, it has been classified as a Variant of Uncertain Significance.

Ambry Genetics
Classification: Uncertain significance. Last evaluated: 2025-10-24. Review status: criteria provided, single submitter. Criteria: Ambry Variant Classification Scheme 2023. Collection method: clinical testing. Allele origin: germline.

NM_004526.4(MCM2):c.2680G>A (p.Asp894Asn)

Genes: MCM2 (minichromosome maintenance complex component 2; plus strand), LOC107986126 (uncharacterized LOC107986126; minus strand). Cytogenetic location: 3q21.3.
Variant type: single nucleotide variant.
Coding change: c.2680G>A on transcript NM_004526.4 (MANE Select); coding-DNA position 2680, G replaced by A.
Protein change: p.Asp894Asn; replaces aspartic acid 894 with asparagine.
Molecular consequence: missense variant. On other transcripts: non-coding transcript variant (1).
Genome position (GRCh38, 1-based): chr3:127,621,738, G>A. VCF-style: chr3-127621738-G-A. GRCh37 (hg19) VCF-style: chr3-127340581-G-A.
Other names: short protein forms D894N.
Identifiers: ClinVar variation 4550459 (VCV004550459.2).